The following is an entry in ClinVar:

ClinVar aggregate classification (germline): Benign. Review status: criteria provided, single submitter (1 of 4 stars). 2 submissions from 1 submitter: Benign (2). Last evaluated 2018-01-12.

Conditions:
Parietal foramina 1 (PFM1). Also called: FORAMINA PARIETALIA PERMAGNA; PARIETAL FORAMINA, SYMMETRIC. Identifiers: Orphanet 60015, MedGen C1868599, MONDO:0008197, OMIM 168500.
Craniosynostosis 2 (CRS2). Also called: Warman-Mulliken-Hayward syndrome; Craniosynostosis Warman type; Craniosynostosis Boston type. Identifiers: Orphanet 1541, MedGen C1858160, MONDO:0011481, OMIM 604757.

Allele frequency attached by ClinVar (database versions not stated): 1000 Genomes Project 30x 0.00109; gnomAD 0.00119 and 0.00133; TOPMed 0.00121; 1000 Genomes Project 0.00140.

Submissions (2):

Illumina Laboratory Services, Illumina
Classification: Benign for Parietal foramina 1. Last evaluated: 2018-01-12. Review status: criteria provided, single submitter. Criteria: ICSL Variant Classification Criteria 13 December 2019. Collection method: clinical testing. Allele origin: germline.
Comment: This variant was observed in the ICSL laboratory as part of a predisposition screen in an ostensibly healthy population. It had not been previously curated by ICSL or reported in the Human Gene Mutation Database (HGMD: prior to June 1st, 2018), and was therefore a candidate for classification through an automated scoring system. Utilizing variant allele frequency, disease prevalence and penetrance estimates, and inheritance mode, an automated score was calculated to assess if this variant is too frequent to cause the disease. Based on the score and internal cut-off values, a variant classified as benign is not then subjected to further curation. The score for this variant resulted in a classification of benign for this disease.

Illumina Laboratory Services, Illumina
Classification: Benign for Craniosynostosis 2. Last evaluated: 2018-01-12. Review status: criteria provided, single submitter. Criteria: ICSL Variant Classification Criteria 13 December 2019. Collection method: clinical testing. Allele origin: germline.
Comment: the same text as in the submission from Illumina Laboratory Services, Illumina above.

NM_002449.5(MSX2):c.*1050T>C

Gene: MSX2 (msh homeobox 2; plus strand). Cytogenetic location: 5q35.2.
Variant type: single nucleotide variant.
Coding change: c.*1050T>C on transcript NM_002449.5 (MANE Select); 1050 bases downstream of the stop codon, T replaced by C.
Molecular consequence: 3 prime UTR variant.
Genome position (GRCh38, 1-based): chr5:174,730,633, T>C. VCF-style: chr5-174730633-T-C. GRCh37 (hg19) VCF-style: chr5-174157636-T-C.
Other names: c.*1478T>C (NM_001363626.2).
Identifiers: ClinVar variation 904232 (VCV000904232.4), dbSNP rs184931219, ClinGen allele CA132701556.